The following is an entry in ClinVar:

ClinVar aggregate classification (germline): Likely benign (1 of 4 stars; one submission).

Conditions:
Multiple endocrine neoplasia type 2A. Also called: Multiple Endocrine Neoplasia Type 2A (MEN2A); MULTIPLE ENDOCRINE NEOPLASIA, TYPE IIA; PTC SYNDROME; SIPPLE SYNDROME; MEN 2A; MEN-2A syndrome. Identifiers: Orphanet 247698, Orphanet 653, MedGen C0025268, MeSH D018813, MONDO:0008234, OMIM 171400.

gnomAD v4.1: 1 of 1,609,182 alleles (0.000062%); highest among the groups gnomAD compares: Non-Finnish European, 0.000085%; no homozygotes.

Submission:

Myriad Genetics, Inc.
Classification: Likely benign for Multiple endocrine neoplasia type 2A. Last evaluated: 2025-02-26. Review status: criteria provided, single submitter. Criteria: Myriad Autosomal Dominant, Autosomal Recessive and X-Linked Classification Criteria (2023). Collection method: clinical testing. Allele origin: unknown.
Comment: This variant is considered likely benign. This variant is intronic and is not expected to impact mRNA splicing.

NM_020975.6(RET):c.2392+7C>A

Gene: RET (ret proto-oncogene; plus strand). Cytogenetic location: 10q11.21.
Variant type: single nucleotide variant.
Coding change: c.2392+7C>A on transcript NM_020975.6 (MANE Select); 7 bases into the intron after coding-DNA position 2392, C replaced by A.
Molecular consequence: intron variant.
Genome position (GRCh38, 1-based): chr10:43,118,487, C>A. VCF-style: chr10-43118487-C-A. GRCh37 (hg19) VCF-style: chr10-43613935-C-A.
Other names: c.1375+7C>A (NM_001406785.1); c.2263+7C>A (NM_001406764.1, NM_001406761.1, NM_001406762.1); c.1867+7C>A (NM_001406774.1); c.1366+7C>A (NM_001406786.1, NM_001406783.1); c.2104+7C>A (NM_001406770.1, NM_001406766.1, NM_001406767.1); c.2128+7C>A (NM_001406768.1); c.2392+7C>A (NM_020630.7, NM_001406743.1, NM_001406744.1 and 2 more transcripts); c.2257+7C>A (NM_001406765.1, NM_001406763.1); and 10 more.
Identifiers: ClinVar variation 3904659 (VCV003904659.1).
Genomic context (GRCh38, chr10:43,118,487, plus strand): 5'-AGCAGGTCAACCACCCACATGTCATCAAATTGTATGGGGCCTGCAGCCAGGATGGTAAGG[C>A]CAGCTGCAGGGTGAGGTGGGCAGCCACTGCACCCAGGCTGGGGGCTCCATACAGCCCTGT-3'